The following is an entry in ClinVar:

NM_003640.5(ELP1):c.3161-2A>G

Gene: ELP1 (elongator acetyltransferase complex subunit 1; minus strand). Cytogenetic location: 9q31.3.
Variant type: single nucleotide variant.
Coding change: c.3161-2A>G on transcript NM_003640.5 (MANE Select); the canonical splice acceptor site of the intron before coding-DNA position 3161, A replaced by G.
Molecular consequence: splice acceptor variant.
Genome position (GRCh38, 1-based): chr9:108,889,395, T>C on the plus strand (A>G on the coding strand, the complement: ELP1 is on the minus strand). VCF-style: chr9-108889395-T-C. GRCh37 (hg19) VCF-style: chr9-111651675-T-C.
Other names: c.2819-2A>G (NM_001318360.2); c.2114-2A>G (NM_001330749.2); c.3161-2A>G (NM_003640.4).
Identifiers: ClinVar variation 1520850 (VCV001520850.9), dbSNP rs749548287, ClinGen allele CA5174398.

ClinVar aggregate classification (germline): Likely pathogenic. Review status: criteria provided, multiple submitters, no conflicts (2 of 4 stars). 2 submissions from 2 submitters: Likely pathogenic (2). Last evaluated 2024-12-09.

Conditions:
Familial dysautonomia. Also called: FD; HSAN III. Identifiers: Orphanet 1764, MedGen C0013364, MONDO:0009131, OMIM 223900. Disease mechanism: loss of function.

Allele frequency attached by ClinVar (database versions not stated): gnomAD exomes below 0.00001; ExAC 0.00001; gnomAD 0.00001 and 0.00002; TOPMed 0.00001.
gnomAD v4.1: 4 of 1,613,942 alleles (0.00025%); highest among the groups gnomAD compares: Non-Finnish European, 0.00034%; no homozygotes.

Submissions (2):

Natera, Inc.
Classification: Likely pathogenic for Familial dysautonomia. Last evaluated: 2024-12-09. Review status: criteria provided, single submitter. Criteria: Natera Variant Classification Schema (03/2026). Collection method: clinical testing. Allele origin: germline.
Comment: The c.3161-2A>G variant in ELP1 is a canonical splice acceptor site variant predicted to affect pre-mRNA splicing, which may result in an abnormal transcript and altered protein product. This variant is expected to result in nonsense mediated decay, truncation, or a dysfunctional protein product. This variant is rare in the general population with a frequency below the threshold expected for the associated phenotype(s). Given the available evidence, this variant is classified as Likely Pathogenic.

Labcorp Genetics (formerly Invitae), Labcorp
Classification: Likely pathogenic. Last evaluated: 2024-03-04. Review status: criteria provided, single submitter. Criteria: Invitae Variant Classification Sherloc (09022015). Collection method: clinical testing. Allele origin: germline.
Comment: This sequence change affects an acceptor splice site in intron 28 of the ELP1 gene. It is expected to disrupt RNA splicing. Variants that disrupt the donor or acceptor splice site typically lead to a loss of protein function (PMID: 16199547), and loss-of-function variants in ELP1 are known to be pathogenic (PMID: 18303054, 24173031). This variant is present in population databases (rs749548287, gnomAD 0.002%). This variant has not been reported in the literature in individuals affected with ELP1-related conditions. ClinVar contains an entry for this variant (Variation ID: 1520850). Algorithms developed to predict the effect of sequence changes on RNA splicing suggest that this variant may disrupt the consensus splice site. In summary, the currently available evidence indicates that the variant is pathogenic, but additional data are needed to prove that conclusively. Therefore, this variant has been classified as Likely Pathogenic.

Literature cited by the submitters: PubMed 16199547 (cited by Labcorp Genetics (formerly Invitae), Labcorp); PubMed 18303054 (cited by Labcorp Genetics (formerly Invitae), Labcorp); PubMed 24173031 (cited by Labcorp Genetics (formerly Invitae), Labcorp).